The following is an entry in ClinVar:

NM_031229.4(RBCK1):c.754C>A (p.Gln252Lys)

Gene: RBCK1 (RANBP2-type and C3HC4-type zinc finger containing 1; plus strand). Cytogenetic location: 20p13.
Variant type: single nucleotide variant.
Coding change: c.754C>A on transcript NM_031229.4 (MANE Select); coding-DNA position 754, C replaced by A.
Protein change: p.Gln252Lys; replaces glutamine 252 with lysine.
Molecular consequence: missense variant. On other transcripts: non-coding transcript variant (1).
Genome position (GRCh38, 1-based): chr20:419,729, C>A. VCF-style: chr20-419729-C-A. GRCh37 (hg19) VCF-style: chr20-400373-C-A.
Other names: c.405C>A, p.Ser135Arg (NM_001323956.2, NM_001323958.2); c.628C>A, p.Gln210Lys (NM_006462.6); short protein forms Q210K, Q252K, S135R.
Identifiers: ClinVar variation 854035 (VCV000854035.9), dbSNP rs2016261661, ClinGen allele CA407926611.
Genomic context (GRCh38, chr20:419,729, plus strand): 5'-CCCGACGAGGAGGAGCGAGCGCGCCTGGCGGGCGAGGAGGAGGCGCTGCGTCAGTACCAG[C>A]AGGTGGGCGGGAAAGTCCCTGGACAGACACCTGCAGACCGCACGGGGGAGGTGTAGGCCA-3'
Protein context (NP_112506.2, residues 242-262): GEEEALRQYQ[Gln252Lys]RKQQQQEGNY

ClinVar aggregate classification (germline): Uncertain significance (1 of 4 stars; one submission).

Conditions:
Polyglucosan body myopathy type 1 (PGBM1). Also called: Polyglucosan body myopathy 1 with or without immunodeficiency; POLYGLUCOSAN BODY MYOPATHY WITHOUT IMMUNODEFICIENCY. Identifiers: Orphanet 329173, Orphanet 397937, MedGen C4014605, MONDO:0014389, OMIM 615895.

Submission:

Labcorp Genetics (formerly Invitae), Labcorp
Classification: Uncertain significance for Polyglucosan body myopathy type 1. Last evaluated: 2022-07-05. Review status: criteria provided, single submitter. Criteria: Invitae Variant Classification Sherloc (09022015). Collection method: clinical testing. Allele origin: germline.
Comment: In summary, the available evidence is currently insufficient to determine the role of this variant in disease. Therefore, it has been classified as a Variant of Uncertain Significance. Algorithms developed to predict the effect of missense changes on protein structure and function are either unavailable or do not agree on the potential impact of this missense change (SIFT: "Not Available"; PolyPhen-2: "Benign"; Align-GVGD: "Not Available"). ClinVar contains an entry for this variant (Variation ID: 854035). This variant has not been reported in the literature in individuals affected with RBCK1-related conditions. This variant is not present in population databases (gnomAD no frequency). This sequence change replaces glutamine, which is neutral and polar, with lysine, which is basic and polar, at codon 252 of the RBCK1 protein (p.Gln252Lys).